The following is an entry in ClinVar:

ClinVar aggregate classification (germline): Pathogenic (1 of 4 stars; one submission).

Submission:

Labcorp Genetics (formerly Invitae), Labcorp
Classification: Pathogenic. Last evaluated: 2020-07-14. Review status: criteria provided, single submitter. Criteria: Invitae Variant Classification Sherloc (09022015). Collection method: clinical testing. Allele origin: germline.
Comment: This variant has not been reported in the literature in individuals with COL4A5-related conditions. For these reasons, this variant has been classified as Pathogenic. Loss-of-function variants in COL4A5 are known to be pathogenic (PMID: 9195222, 10752524, 14514738, 24854265, 26809805). Algorithms developed to predict the effect of sequence changes on RNA splicing suggest that this variant may disrupt the consensus splice site, but this prediction has not been confirmed by published transcriptional studies. This variant is not present in population databases (ExAC no frequency). This sequence change creates a premature translational stop signal (p.Val345Lysfs*7) in the COL4A5 gene. It is expected to result in an absent or disrupted protein product.

Literature cited by the submitters: PubMed 9195222; PubMed 10752524; PubMed 14514738; PubMed 24854265; PubMed 26809805.

NM_033380.3(COL4A5):c.1033-1_1033insAAATTCCCAG

Gene: COL4A5 (collagen type IV alpha 5 chain; plus strand). Cytogenetic location: Xq22.3.
Variant type: Insertion.
Coding change: c.1033-1_1033insAAATTCCCAG on transcript NM_033380.3 (MANE Select); the canonical splice acceptor site of the intron before coding-DNA position 1033 through coding-DNA position 1033, AAATTCCCAG inserted.
Molecular consequence: splice acceptor variant.
Genome position: GRCh38 VCF-style: chrX-108586612-A-AAGAAATTCCC. GRCh37 (hg19) VCF-style: chrX-107829842-A-AAGAAATTCCC.
Other names: c.1033-1_1033insAAATTCCCAG (NM_000495.5).
Identifiers: ClinVar variation 1073728 (VCV001073728.7), dbSNP rs2147787972, ClinGen allele CA2499226306.